The following is an entry in ClinVar:

ClinVar aggregate classification (germline): Uncertain significance (1 of 4 stars; one submission).

Submission:

Labcorp Genetics (formerly Invitae), Labcorp
Classification: Uncertain significance. Last evaluated: 2022-02-04. Review status: criteria provided, single submitter. Criteria: Invitae Variant Classification Sherloc (09022015). Collection method: clinical testing. Allele origin: germline.
Comment: This variant is not present in population databases (gnomAD no frequency). This sequence change replaces alanine, which is neutral and non-polar, with proline, which is neutral and non-polar, at codon 1500 of the SETBP1 protein (p.Ala1500Pro). This variant has not been reported in the literature in individuals affected with SETBP1-related conditions. Algorithms developed to predict the effect of missense changes on protein structure and function output the following: SIFT: "Deleterious"; PolyPhen-2: "Possibly Damaging"; Align-GVGD: "Class C0". The proline amino acid residue is found in multiple mammalian species, which suggests that this missense change does not adversely affect protein function. In summary, the available evidence is currently insufficient to determine the role of this variant in disease. Therefore, it has been classified as a Variant of Uncertain Significance.

NM_015559.3(SETBP1):c.4498G>C (p.Ala1500Pro)

Gene: SETBP1 (SET binding protein 1; plus strand). Cytogenetic location: 18q12.3.
Variant type: single nucleotide variant.
Coding change: c.4498G>C on transcript NM_015559.3 (MANE Select); coding-DNA position 4498, G replaced by C.
Protein change: p.Ala1500Pro; replaces alanine 1500 with proline.
Molecular consequence: missense variant.
Genome position (GRCh38, 1-based): chr18:45,063,405, G>C. VCF-style: chr18-45063405-G-C. GRCh37 (hg19) VCF-style: chr18-42643370-G-C.
Other names: c.4498G>C, p.Ala1500Pro (NM_001379141.1, NM_001379142.1); c.4327G>C, p.Ala1443Pro (NM_001410862.1); short protein forms A1443P, A1500P.
Identifiers: ClinVar variation 2093320 (VCV002093320.4), dbSNP rs200098271, ClinGen allele CA299946151.